The following is an entry in ClinVar:

ClinVar aggregate classification (germline): Conflicting classifications of pathogenicity. Review status: criteria provided, conflicting classifications (1 of 4 stars). 2 submissions from 2 submitters: Uncertain significance (1); Likely benign (1). Last evaluated 2024-03-01.

Allele frequency attached by ClinVar (database versions not stated): gnomAD exomes below 0.00001.
gnomAD v4.1: 5 of 1,609,472 alleles (0.00031%); highest among the groups gnomAD compares: South Asian, 0.0022%; no homozygotes.

Submissions (2):

CeGaT Center for Human Genetics Tuebingen
Classification: Uncertain significance. Last evaluated: 2024-03-01. Review status: criteria provided, single submitter. Criteria: CeGaT Center For Human Genetics Tuebingen Variant Classification Criteria Version 2. Collection method: clinical testing. Allele origin: germline. Affected: yes. Observed: 1 variant allele.
Comment: OTOA: PM2, BP4

Labcorp Genetics (formerly Invitae), Labcorp
Classification: Likely benign. Last evaluated: 2024-01-02. Review status: criteria provided, single submitter. Criteria: Invitae Variant Classification Sherloc (09022015). Collection method: clinical testing. Allele origin: germline.

NM_144672.4(OTOA):c.267+8C>T

Gene: OTOA (otoancorin). Cytogenetic location: 16p12.2.
Variant type: single nucleotide variant.
Coding change: c.267+8C>T on transcript NM_144672.4 (MANE Select); 8 bases into the intron after coding-DNA position 267, C replaced by T.
Molecular consequence: intron variant.
Genome position (GRCh38, 1-based): chr16:21,681,833, C>T. VCF-style: chr16-21681833-C-T. GRCh37 (hg19) VCF-style: chr16-21693154-C-T.
Identifiers: ClinVar variation 2838321 (VCV002838321.24), dbSNP rs1008686772, ClinGen allele CA279393669.